The following is an entry in ClinVar:

ClinVar aggregate classification (germline): Pathogenic (1 of 4 stars; one submission).

Submission:

Labcorp Genetics (formerly Invitae), Labcorp
Classification: Pathogenic. Last evaluated: 2023-11-27. Review status: criteria provided, single submitter. Criteria: Invitae Variant Classification Sherloc (09022015). Collection method: clinical testing. Allele origin: germline.
Comment: This sequence change creates a premature translational stop signal (p.Ala1023Glnfs*50) in the ADAMTS18 gene. It is expected to result in an absent or disrupted protein product. Loss-of-function variants in ADAMTS18 are known to be pathogenic (PMID: 23818446, 24874986). This variant is not present in population databases (gnomAD no frequency). This variant has not been reported in the literature in individuals affected with ADAMTS18-related conditions. ClinVar contains an entry for this variant (Variation ID: 1399985). For these reasons, this variant has been classified as Pathogenic.

Literature cited by the submitters: PubMed 23818446; PubMed 24874986.

NM_199355.4(ADAMTS18):c.3067del (p.Ala1023fs)

Gene: ADAMTS18 (ADAM metallopeptidase with thrombospondin type 1 motif 18; minus strand). Cytogenetic location: 16q23.1.
Variant type: Deletion.
Coding change: c.3067del on transcript NM_199355.4 (MANE Select); coding-DNA position 3067, one base deleted (G; older notation c.3067delG).
Protein change: p.Ala1023fs; shifts the reading frame from alanine 1023.
Molecular consequence: frameshift variant.
Genome position (GRCh38, 1-based): chr16:77,293,198, C deleted on the plus strand (G on the coding strand, the reverse complement: ADAMTS18 is on the minus strand). VCF-style (leftmost placement, unchanged base first): chr16-77293197-GC-G. GRCh37 (hg19) VCF-style: chr16-77327094-GC-G.
Other names: c.2551del, p.Ala851fs (NM_001326358.2); short protein forms A1023fs, A851fs.
Identifiers: ClinVar variation 1399985 (VCV001399985.6), dbSNP rs2144571454, ClinGen allele CA496591258.
Genomic context (GRCh38, chr16:77,293,197, plus strand): 5'-CAGCCCTCCTGCAGCTCAGGTCTGGGGAGACTGGTACACTGGCTCTCGGGGAGGGTTTCT[GC>G]GGCAGAGCCCTTGCAGAGGAGTTCACGCTTCCTCACCCCTCGTCCACAGGTCTTGGAACA-3'